The following is an entry in ClinVar:

NM_001756.4(SERPINA6):c.519T>G (p.Tyr173Ter)

Gene: SERPINA6 (serpin family A member 6; minus strand). Cytogenetic location: 14q32.13.
Variant type: single nucleotide variant.
Coding change: c.519T>G on transcript NM_001756.4 (MANE Select); coding-DNA position 519, T replaced by G.
Protein change: p.Tyr173Ter; replaces tyrosine 173 with a stop codon.
Molecular consequence: nonsense.
Genome position (GRCh38, 1-based): chr14:94,314,130, A>C on the plus strand (T>G on the coding strand, the complement: SERPINA6 is on the minus strand). VCF-style: chr14-94314130-A-C. GRCh37 (hg19) VCF-style: chr14-94780467-A-C.
Other names: short protein forms Y173*.
Identifiers: ClinVar variation 3901792 (VCV003901792.1).

ClinVar aggregate classification (germline): Uncertain significance (1 of 4 stars; one submission).

Submission:

GeneDx
Classification: Uncertain significance. Last evaluated: 2024-11-30. Review status: criteria provided, single submitter. Criteria: GeneDx Variant Classification Process June 2021. Collection method: clinical testing. Allele origin: germline. Affected: yes.
Comment: Not observed at significant frequency in large population cohorts (gnomAD); Has not been previously published as pathogenic or benign to our knowledge; Nonsense variant predicted to result in protein truncation or nonsense mediated decay in a gene for which loss-of-function is not an established mechanism of disease